The following is an entry in ClinVar:

NM_000543.5(SMPD1):c.576_577delinsG (p.Ser192fs)

Gene: SMPD1 (sphingomyelin phosphodiesterase 1; plus strand). Cytogenetic location: 11p15.4.
Variant type: Indel.
Coding change: c.576_577delinsG on transcript NM_000543.5 (MANE Select); coding-DNA positions 576 to 577, CC replaced by G.
Protein change: p.Ser192fs; shifts the reading frame from serine 192.
Molecular consequence: frameshift variant. On other transcripts: 5 prime UTR variant (1), non-coding transcript variant (1).
Genome position (GRCh38, 1-based): chr11:6,391,641-6,391,642, CC replaced by G. VCF-style: chr11-6391641-CC-G. GRCh37 (hg19) VCF-style: chr11-6412871-CC-G.
Other names: c.573_574delinsG, p.Ser191fs (NM_001007593.3); c.576_577delinsG, p.Ser192fs (NM_001318087.2, NM_001365135.2); c.-386_-385delinsG (NM_001318088.2); short protein forms S191fs, S192fs.
Identifiers: ClinVar variation 5015391 (VCV005015391.1).

ClinVar aggregate classification (germline): Pathogenic (1 of 4 stars; one submission).

Conditions:
Acid sphingomyelinase deficiency. Identifiers: Orphanet 618899, MedGen C5243927, MONDO:0100464.

Submission:

Myriad Genetics, Inc.
Classification: Pathogenic for Acid sphingomyelinase deficiency. Last evaluated: 2026-01-05. Review status: criteria provided, single submitter. Criteria: Myriad Autosomal Dominant, Autosomal Recessive and X-Linked Classification Criteria (2023). Collection method: clinical testing. Allele origin: unknown.
Comment: NM_000543.4(SMPD1):c.576_577delCCinsG(S192Rfs*65) is expected to be pathogenic in the context of Niemann-Pick disease, SMPD1-related. This variant is predicted to lead to an abnormal or absent protein product due to the creation of a premature termination codon in SMPD1, a gene where loss-of-function variants are known to be pathogenic. Please note: this variant was assessed in the context of healthy population screening.